The following is an entry in ClinVar:

ClinVar aggregate classification (germline): Uncertain significance (1 of 4 stars; one submission).

Conditions:
Fibrous dysplasia of jaw (CRBM). Also called: Cherubism. Identifiers: Orphanet 184, MedGen C0008029, MONDO:0007315, OMIM 118400.

Submission:

Labcorp Genetics (formerly Invitae), Labcorp
Classification: Uncertain significance for Fibrous dysplasia of jaw. Last evaluated: 2025-04-07. Review status: criteria provided, single submitter. Criteria: Invitae Variant Classification Sherloc (09022015). Collection method: clinical testing. Allele origin: germline.
Comment: This sequence change replaces alanine, which is neutral and non-polar, with valine, which is neutral and non-polar, at codon 3 of the SH3BP2 protein (p.Ala3Val). This variant is not present in population databases (gnomAD no frequency). This variant has not been reported in the literature in individuals affected with SH3BP2-related conditions. ClinVar contains an entry for this variant (Variation ID: 1717232). Invitae Evidence Modeling of protein sequence and biophysical properties (such as structural, functional, and spatial information, amino acid conservation, physicochemical variation, residue mobility, and thermodynamic stability) has been performed for this missense variant. However, the output from this modeling did not meet the statistical confidence thresholds required to predict the impact of this variant on SH3BP2 protein function. In summary, the available evidence is currently insufficient to determine the role of this variant in disease. Therefore, it has been classified as a Variant of Uncertain Significance.

NM_001122681.2(SH3BP2):c.8C>T (p.Ala3Val)

Gene: SH3BP2 (SH3 domain binding protein 2; plus strand). Cytogenetic location: 4p16.3.
Variant type: single nucleotide variant.
Coding change: c.8C>T on transcript NM_001122681.2 (MANE Select); coding-DNA position 8, C replaced by T.
Protein change: p.Ala3Val; replaces alanine 3 with valine.
Molecular consequence: missense variant.
Genome position (GRCh38, 1-based): chr4:2,820,625, C>T. VCF-style: chr4-2820625-C-T. GRCh37 (hg19) VCF-style: chr4-2822352-C-T.
Other names: c.92C>T, p.Ala31Val (NM_001145855.2); c.179C>T, p.Ala60Val (NM_001145856.2); c.8C>T, p.Ala3Val (NM_003023.4); short protein forms A31V, A3V, A60V.
Identifiers: ClinVar variation 1717232 (VCV001717232.5), dbSNP rs1455119402, ClinGen allele CA356052805.